The following is an entry in ClinVar:

ClinVar aggregate classification (germline): Pathogenic/Likely pathogenic. Review status: criteria provided, multiple submitters, no conflicts (2 of 4 stars). 12 submissions from 12 submitters: Pathogenic (6); Likely pathogenic (1). 5 of the submissions do not count toward it. Last evaluated 2026-01-26.

Conditions:
FANCI-related disorders.
FANCI-related disorder. Also called: FANCI-related condition.
Fanconi anemia (FA). Also called: Fanconi's anemia. Identifiers: Orphanet 84, MedGen C0015625, MeSH D005199, MONDO:0019391.
Fanconi anemia complementation group I (FANCI). Also called: FANCI-Related Fanconi Anemia. Identifiers: Orphanet 84, MedGen C1836861, MONDO:0012186, OMIM 609053.

Allele frequency attached by ClinVar (database versions not stated): TOPMed 0.00002; ExAC 0.00005; gnomAD 0.00005; gnomAD exomes 0.00005.
gnomAD v4.1: 69 of 1,613,818 alleles (0.0043%); highest among the groups gnomAD compares: South Asian, 0.0099%; no homozygotes.

Submissions (12):

Labcorp Genetics (formerly Invitae), Labcorp
Classification: Pathogenic for Fanconi anemia. Last evaluated: 2026-01-26. Review status: criteria provided, single submitter. Criteria: Invitae Variant Classification Sherloc (09022015). Collection method: clinical testing. Allele origin: germline.
Comment: This sequence change creates a premature translational stop signal (p.Arg1285*) in the FANCI gene. It is expected to result in an absent or disrupted protein product. Loss-of-function variants in FANCI are known to be pathogenic (PMID: 17452773, 17460694). This variant is present in population databases (rs121918164, gnomAD 0.02%). This premature translational stop signal has been observed in individual(s) with Fanconi anemia (PMID: 17452773). ClinVar contains an entry for this variant (Variation ID: 973). For these reasons, this variant has been classified as Pathogenic.

CeGaT Center for Human Genetics Tuebingen
Classification: Pathogenic. Last evaluated: 2025-11-01. Review status: criteria provided, single submitter. Criteria: CeGaT Center For Human Genetics Tuebingen Variant Classification Criteria Version 2. Collection method: clinical testing. Allele origin: germline. Affected: yes. Observed: 2 variant alleles.
Comment: FANCI: PVS1, PM2

Laboratory of Genetics, Children's Clinical University Hospital Latvia
Classification: Pathogenic. Last evaluated: 2025-02-16. Review status: criteria provided, single submitter. Criteria: ACMG Guidelines, 2015. Collection method: clinical testing. Allele origin: germline. Affected: yes.

Blueprint Genetics
Classification: Likely pathogenic for FANCI-related disorders. Last evaluated: 2024-11-07. Review status: criteria provided, single submitter. Criteria: ACMG Guidelines, 2015. Collection method: clinical testing. Allele origin: germline. Affected: yes. Observed: 5 variant alleles.

Fulgent Genetics
Classification: Pathogenic for Fanconi anemia complementation group I. Last evaluated: 2024-05-02. Review status: criteria provided, single submitter. Criteria: ACMG Guidelines, 2015. Collection method: clinical testing. Allele origin: germline.

Baylor Genetics
Classification: Pathogenic for Fanconi anemia complementation group I. Last evaluated: 2024-03-27. Review status: criteria provided, single submitter. Criteria: ACMG Guidelines, 2015. Collection method: clinical testing. Allele origin: unknown.

Neuberg Centre For Genomic Medicine, NCGM
Classification: Pathogenic for Fanconi anemia complementation group I. Review status: criteria provided, single submitter. Criteria: ACMG Guidelines, 2015. Collection method: clinical testing. Allele origin: germline. Inheritance: Autosomal recessive inheritance. Affected: yes.
Comment: The stop gained variant c.3853C>T (p.Arg1285Ter) in FANCI has been reported previously in heterozygous state in patients affected with individuals with Fanconi anemia (Dorsman et al.). The p.Arg1285Ter variant has allele frequency in gnomAD exomes and is novel (not in any individuals) in 1000 Genomes. This variant has been reported to the ClinVar database as Pathogenic. This variant is predicted to cause loss of normal protein function through protein truncation. Loss of function variants have been previously reported to be disease causing. For these reasons, this variant has been classified as Pathogenic.

PreventionGenetics, part of Exact Sciences
Classification: Pathogenic for FANCI-related condition. Last evaluated: 2024-09-20. Review status: no assertion criteria provided. Collection method: clinical testing. Allele origin: germline. Not counted in ClinVar's aggregate classification.
Comment: The FANCI c.3853C>T variant is predicted to result in premature protein termination (p.Arg1285*). This variant has been reported in an individual with Fanconi anemia. In vitro functional analysis of the patient's lymphoblast cells demonstrate an absence of FANCI protein (Dorsman et al. 2007. PubMed ID: 17452773) This variant has also been reported in individuals with a personal and family history of cancer (Penkert et al. 2018. PubMed ID: 30086788; Lu et al. 2015. PubMed ID: 26689913; Huang et al. 2018. PubMed ID: 29625052). Additional in vitro functional studies demonstrate this variant negatively affects the FANCI-FANCD2 complex's DNA and RNA binding affinity (Longerich et al. 2014. PubMed ID: 24623813; Liang et al. 2019. PubMed ID: 30650351). This variant is reported in 0.016% of alleles in individuals of South Asian descent in gnomAD and is classified as pathogenic in the ClinVar database. Nonsense variants in FANCI are expected to be pathogenic. This variant is interpreted as pathogenic.

Leiden Open Variation Database
Classification: Pathogenic for Fanconi anemia complementation group I. Last evaluated: 2011-02-07. Review status: no assertion criteria provided. Collection method: curation. Allele origin: germline. Affected: yes. Not counted in ClinVar's aggregate classification.
Comment: Curator: Arleen D. Auerbach. Submitter to LOVD: Arleen D. Auerbach.

OMIM
Classification: Pathogenic for FANCONI ANEMIA, COMPLEMENTATION GROUP I. Last evaluated: 2007-01-01. Review status: no assertion criteria provided. Collection method: literature only. Allele origin: germline. Not counted in ClinVar's aggregate classification.

Clinical Genetics DNA and cytogenetics Diagnostics Lab, Erasmus MC, Erasmus Medical Center
Classification: Pathogenic. Review status: no assertion criteria provided. Collection method: clinical testing. Allele origin: germline. Affected: yes. Study: VKGL Data-share Consensus. Not counted in ClinVar's aggregate classification.

Diagnostic Laboratory, Department of Genetics, University Medical Center Groningen
Classification: Pathogenic. Review status: no assertion criteria provided. Collection method: clinical testing. Allele origin: germline. Affected: yes. Study: VKGL Data-share Consensus. Not counted in ClinVar's aggregate classification.

Literature cited by the submitters: PubMed 17452773 (cited by 3 submitters); PubMed 17460694 (cited by Labcorp Genetics (formerly Invitae), Labcorp).

NM_001113378.2(FANCI):c.3853C>T (p.Arg1285Ter)

Genes: FANCI (FA complementation group I; plus strand), POLG (DNA polymerase gamma, catalytic subunit; minus strand). Cytogenetic location: 15q26.1.
Variant type: single nucleotide variant.
Coding change: c.3853C>T on transcript NM_001113378.2 (MANE Select); coding-DNA position 3853, C replaced by T.
Protein change: p.Arg1285Ter; replaces arginine 1285 with a stop codon.
Molecular consequence: nonsense.
Genome position (GRCh38, 1-based): chr15:89,315,318, C>T. VCF-style: chr15-89315318-C-T. GRCh37 (hg19) VCF-style: chr15-89858549-C-T.
Other names: NM_001113378.1:c.3853C>T; c.3574C>T, p.Arg1192Ter (NM_001376910.1); c.3853C>T, p.Arg1285Ter (NM_001376911.1); c.3673C>T, p.Arg1225Ter (NM_018193.3); short protein forms R1285*, R1225*, R1192*.
Identifiers: ClinVar variation 973 (VCV000000973.57), dbSNP rs121918164, ClinGen allele CA251645.
Genomic context (GRCh38, chr15:89,315,318, plus strand): 5'-CCCATGCTTACAATCTTGTCATAGGTGAACCTGATGCAGCACATGAAGCTCAGCACCTCA[C>T]GAGACTTCAAGATCAAAGGAAACATCCTAGACATGGTTCTTCGAGAGGATGGTGAAGATG-3'